The following is an entry in ClinVar:

ClinVar aggregate classification (germline): Likely benign. Review status: criteria provided, multiple submitters, no conflicts (2 of 4 stars). 3 submissions from 3 submitters: Likely benign (3). Last evaluated 2025-01-06.

Conditions:
Primary pulmonary hypertension. Also called: Idiopathic pulmonary hypertension. Identifiers: MedGen C0152171.
Inborn genetic diseases. Identifiers: MedGen C0950123, MeSH D030342.

Allele frequency attached by ClinVar (database versions not stated): gnomAD 0.00001; gnomAD exomes 0.00001; TOPMed 0.00002.
gnomAD v4.1: 11 of 1,613,848 alleles (0.00068%); highest among the groups gnomAD compares: South Asian, 0.0011%; no homozygotes.

Submissions (3):

Ambry Genetics
Classification: Likely benign for Inborn genetic diseases. Last evaluated: 2025-01-06. Review status: criteria provided, single submitter. Criteria: Ambry Variant Classification Scheme 2023. Collection method: clinical testing. Allele origin: germline.

Labcorp Genetics (formerly Invitae), Labcorp
Classification: Likely benign for Primary pulmonary hypertension. Last evaluated: 2024-05-01. Review status: criteria provided, single submitter. Criteria: Invitae Variant Classification Sherloc (09022015). Collection method: clinical testing. Allele origin: germline.

CeGaT Center for Human Genetics Tuebingen
Classification: Likely benign. Last evaluated: 2023-05-01. Review status: criteria provided, single submitter. Criteria: CeGaT Center For Human Genetics Tuebingen Variant Classification Criteria Version 2. Collection method: clinical testing. Allele origin: germline. Affected: yes. Observed: 2 variant alleles.
Comment: BMPR2: BP4, BP7

NM_001204.7(BMPR2):c.1356C>T (p.Leu452=)

Gene: BMPR2 (bone morphogenetic protein receptor type 2; plus strand). Cytogenetic location: 2q33.2.
Variant type: single nucleotide variant.
Coding change: c.1356C>T on transcript NM_001204.7 (MANE Select); coding-DNA position 1356, C replaced by T.
Protein change: p.Leu452=; no amino-acid change (leucine 452 retained).
Molecular consequence: synonymous variant.
Genome position (GRCh38, 1-based): chr2:202,542,390, C>T. VCF-style: chr2-202542390-C-T. GRCh37 (hg19) VCF-style: chr2-203407113-C-T.
Other names: c.1356C>T (NM_001204.6).
Identifiers: ClinVar variation 1675835 (VCV001675835.37), dbSNP rs1254220092, ClinGen allele CA430854498.